The following is an entry in ClinVar:

ClinVar aggregate classification (germline): Conflicting classifications of pathogenicity. Review status: criteria provided, conflicting classifications (1 of 4 stars). 3 submissions from 3 submitters: Uncertain significance (2); Likely benign (1). Last evaluated 2024-04-15.

Conditions:
Hereditary cancer-predisposing syndrome. Also called: Tumor predisposition; Hereditary neoplastic syndrome; Neoplastic Syndromes, Hereditary; Hereditary Cancer Syndrome. Identifiers: Orphanet 140162, MedGen C0027672, MeSH D009386, MONDO:0015356.
Hereditary breast ovarian cancer syndrome. Also called: BRCA1- and BRCA2-Associated Hereditary Breast and Ovarian Cancer; Hereditary breast and ovarian cancer; Hereditary breast and/or ovarian cancer syndrome; Hereditary breast and ovarian cancer syndrome; Hereditary breast and ovarian cancer syndrome (HBOC); Breast and ovarian cancer. Identifiers: Orphanet 145, MedGen C0677776, MeSH D061325, MONDO:0003582. Disease mechanism: loss of function.

Submissions (3):

Ambry Genetics
Classification: Uncertain significance for Hereditary cancer-predisposing syndrome. Last evaluated: 2024-04-15. Review status: criteria provided, single submitter. Criteria: Ambry Variant Classification Scheme 2023. Collection method: clinical testing. Allele origin: germline.
Comment: The p.G968S variant (also known as c.2902G>A), located in coding exon 10 of the BRCA2 gene, results from a G to A substitution at nucleotide position 2902. The glycine at codon 968 is replaced by serine, an amino acid with similar properties. This amino acid position is not well conserved in available vertebrate species. In addition, this alteration is predicted to be tolerated by in silico analysis. Since supporting evidence is limited at this time, the clinical significance of this alteration remains unclear.

University of Washington Department of Laboratory Medicine, University of Washington
Classification: Likely benign for Hereditary cancer-predisposing syndrome. Last evaluated: 2023-03-23. Review status: criteria provided, single submitter. Criteria: Dines et al. (Genet Med. 2020). Collection method: curation. Allele origin: germline.
Comment: Missense variant in a coldspot region where missense variants are very unlikely to be pathogenic (PMID:31911673).

BRCA2 exon 11 coldspot. Reclassification based on statistical prior probability.

Labcorp Genetics (formerly Invitae), Labcorp
Classification: Uncertain significance for Hereditary breast ovarian cancer syndrome. Last evaluated: 2021-08-10. Review status: criteria provided, single submitter. Criteria: Invitae Variant Classification Sherloc (09022015). Collection method: clinical testing. Allele origin: germline.
Comment: In summary, the available evidence is currently insufficient to determine the role of this variant in disease. Therefore, it has been classified as a Variant of Uncertain Significance. Advanced modeling of protein sequence and biophysical properties (such as structural, functional, and spatial information, amino acid conservation, physicochemical variation, residue mobility, and thermodynamic stability) performed at Invitae indicates that this missense variant is not expected to disrupt BRCA2 protein function. This variant has not been reported in the literature in individuals affected with BRCA2-related conditions. This variant is not present in population databases (ExAC no frequency). This sequence change replaces glycine with serine at codon 968 of the BRCA2 protein (p.Gly968Ser). The glycine residue is weakly conserved and there is a small physicochemical difference between glycine and serine.

NM_000059.4(BRCA2):c.2902G>A (p.Gly968Ser)

Gene: BRCA2 (BRCA2 DNA repair associated; plus strand). Cytogenetic location: 13q13.1.
Variant type: single nucleotide variant.
Coding change: c.2902G>A on transcript NM_000059.4 (MANE Select); coding-DNA position 2902, G replaced by A.
Protein change: p.Gly968Ser; replaces glycine 968 with serine.
Molecular consequence: missense variant.
Genome position (GRCh38, 1-based): chr13:32,337,257, G>A. VCF-style: chr13-32337257-G-A. GRCh37 (hg19) VCF-style: chr13-32911394-G-A.
Other names: short protein forms G968S.
Identifiers: ClinVar variation 1359739 (VCV001359739.10), dbSNP rs2072467550, ClinGen allele CA387774172.